The following is an entry in ClinVar:

NM_000232.5(SGCB):c.452C>G (p.Thr151Arg)

Gene: SGCB (sarcoglycan beta; minus strand). Cytogenetic location: 4q12.
Variant type: single nucleotide variant.
Coding change: c.452C>G on transcript NM_000232.5 (MANE Select); coding-DNA position 452, C replaced by G.
Protein change: p.Thr151Arg; replaces threonine 151 with arginine.
Molecular consequence: missense variant.
Genome position (GRCh38, 1-based): chr4:52,028,899, G>C on the plus strand (C>G on the coding strand, the complement: SGCB is on the minus strand). VCF-style: chr4-52028899-G-C. GRCh37 (hg19) VCF-style: chr4-52895065-G-C.
Other names: NM_000232.4(SGCB):c.452C>G(p.Thr151Arg); NM_000232.5(SGCB):c.452C>G; short protein forms T151R.
Identifiers: ClinVar variation 8712 (VCV000008712.24), dbSNP rs28936383, ClinGen allele CA119849.

ClinVar aggregate classification (germline): Pathogenic. Review status: reviewed by expert panel (3 of 4 stars). 9 submissions from 9 submitters: Pathogenic (1). 8 of the submissions do not count toward it. Last evaluated 2025-01-09.

Conditions:
SGCB-related disorder. Also called: SGCB-related condition.
Autosomal recessive limb-girdle muscular dystrophy. Identifiers: Orphanet 102015, MedGen C2931907, MONDO:0015152.
Autosomal recessive limb-girdle muscular dystrophy type 2E (LGMDR4). Also called: MUSCULAR DYSTROPHY, LIMB-GIRDLE, AUTOSOMAL RECESSIVE 4. Identifiers: Orphanet 119, MedGen C1858593, MONDO:0011423, OMIM 604286. Disease mechanism: Affects gamma-sarcoglycan and also disrupts the integrity of the entire sarcoglycan complex..

Allele frequency attached by ClinVar (database versions not stated): TOPMed below 0.00001; gnomAD 0.00001.

Submissions (9):

ClinGen Limb Girdle Muscular Dystrophy Variant Curation Expert Panel, ClinGen
Classification: Pathogenic for Autosomal recessive limb-girdle muscular dystrophy. Last evaluated: 2025-01-09. Review status: reviewed by expert panel. Criteria: ClinGen LGMD VCEP ACMG Specifications SGCB V1.0.0. Collection method: curation. Allele origin: germline. Inheritance: Autosomal recessive inheritance.
Comment: The NM_000232.5: c.452C>G variant in SGCB is a missense variant predicted to cause substitution of threonine by arginine at amino acid 151 p.(Thr151Arg). This variant has been detected in at least five individuals with signs of limb girdle muscular dystrophy, including in a homozygous state (1.0 pt; PMID: 30564623, 21480868, 7581448) and confirmed in trans with a pathogenic variant (c.271C>T p.(Arg91Cys), 1.0 pt, PMID: 9565988) (PM3_Strong). At least one patient with this variant was clinically suspected to have limb girdle muscular dystrophy (PP4). The variant has also been shown to segregate with autosomal recessive LGMD in at least 5 affected family members in families from the Plain community in southern Indiana and has been proposed as a founder variant for this population (PP1_Moderate; PMID: 7581448, 9565988, 28615891, 3083835). The minor allele frequency of this variant is 0.00006498 for European (non-Finnish) chromosomes in gnomAD v2.1.1 (1/15390), which is lower than the LGMD VCEP threshold (<0.00009) for PM2_Supporting, and therefore meets this criterion (PM2_Supporting). In vitro assays of membrane localization in HEK293 and HER-911 cells showed that expression of p.Thr151Arg in β-sarcoglycan disrupted localization of both the β-sarcoglycan subunit and the sarcoglycan complex to the plasma membrane, indicating an impact of the variant on protein function (PMID: 37317968, 22095924) (PS3_Moderate). The computational predictor REVEL gives a score of 0.87, which is above the LGMD VCEP threshold of 0.70, evidence that correlates with impact to SGCB function (PP3). In summary, this variant meets the criteria to be classified as Pathogenic for autosomal recessive limb girdle muscular dystrophy based on the ACMG/AMP criteria applied, as specified by the ClinGen LGMD VCEP (LGMD VCEP specifications version 1.0.0; 01/09/2025): PM3_Strong, PP4, PP1_Moderate, PM2_Supporting, PS3_Moderate, PP3.

Labcorp Genetics (formerly Invitae), Labcorp
Classification: Pathogenic for Autosomal recessive limb-girdle muscular dystrophy type 2E. Last evaluated: 2025-09-09. Review status: criteria provided, single submitter. Criteria: Invitae Variant Classification Sherloc (09022015). Collection method: clinical testing. Allele origin: germline. Not counted in ClinVar's aggregate classification.
Comment: This sequence change replaces threonine, which is neutral and polar, with arginine, which is basic and polar, at codon 151 of the SGCB protein (p.Thr151Arg). This variant is present in population databases (rs28936383, gnomAD 0.007%). This missense change has been observed in individual(s) with limb-girdle muscular dystrophy (PMID: 7581448, 9565988, 21480868). It has also been observed to segregate with disease in related individuals. ClinVar contains an entry for this variant (Variation ID: 8712). Invitae Evidence Modeling of protein sequence and biophysical properties (such as structural, functional, and spatial information, amino acid conservation, physicochemical variation, residue mobility, and thermodynamic stability) indicates that this missense variant is not expected to disrupt SGCB protein function with a negative predictive value of 80%. Experimental studies have shown that this missense change affects SGCB function (PMID: 22095924). For these reasons, this variant has been classified as Pathogenic.

Revvity Omics, Revvity
Classification: Pathogenic for Autosomal recessive limb-girdle muscular dystrophy type 2E. Last evaluated: 2024-12-05. Review status: criteria provided, single submitter. Criteria: ACMG Guidelines, 2015. Collection method: clinical testing. Allele origin: germline. Not counted in ClinVar's aggregate classification.

Natera, Inc.
Classification: Likely pathogenic for Limb-girdle muscular dystrophy type 2E. Last evaluated: 2024-03-05. Review status: criteria provided, single submitter. Criteria: Natera Variant Classification Schema (03/2026). Collection method: clinical testing. Allele origin: germline. Not counted in ClinVar's aggregate classification.
Comment: The c.452C>G variant in SGCB is a missense variant predicted to cause substitution of threonine to arginine at amino acid 151. This variant is rare in the general population with a frequency below the threshold expected for the associated phenotype(s). This variant has been observed in one or more individuals affected with the associated recessive disease, as either homozygous or compound heterozygous with a second variant (PMID: 7581448, 9565988, 38177855). Additionally, this variant has been observed to segregate in affected family members (PMID: 7581448, 9565988). Computational prediction algorithms indicate this variant is likely to affect gene or protein function. Given the available evidence, this variant is classified as Likely Pathogenic.

Eurofins Ntd Llc (ga)
Classification: Pathogenic. Last evaluated: 2018-09-14. Review status: criteria provided, single submitter. Criteria: EGL ClinVar v180209 classification definitions. Collection method: clinical testing. Allele origin: germline. Observed: 30 variant alleles, 7 heterozygotes, 23 homozygotes. Not counted in ClinVar's aggregate classification.

SIB Swiss Institute of Bioinformatics
Classification: Likely pathogenic for Autosomal recessive limb-girdle muscular dystrophy type 2E. Last evaluated: 2018-05-31. Review status: criteria provided, single submitter. Criteria: ACMG Guidelines, 2015. Collection method: curation. Allele origin: unknown. Not counted in ClinVar's aggregate classification.
Comment: This variant is interpreted as a Likely Pathogenic, for Muscular dystrophy, limb-girdle, type 2E, in Autosomal Recessive manner. The following ACMG Tag(s) were applied: PM2 => Absent from controls (or at extremely low frequency if recessive) in Exome Sequencing Project, 1000 Genomes Project, or Exome Aggregation Consortium. PP3 => Multiple lines of computational evidence support a deleterious effect on the gene or gene product. PS3 => Well-established functional studies show a deleterious effect (PMID:22095924) (PMID:9565988).

Blueprint Genetics
Classification: Pathogenic for SGCB-related disorders. Last evaluated: 2018-01-01. Review status: criteria provided, single submitter. Criteria: ACMG Guidelines, 2015. Collection method: clinical testing. Allele origin: germline. Affected: yes. Observed: 1 variant allele. Not counted in ClinVar's aggregate classification.

Counsyl
Classification: Pathogenic for Limb-girdle muscular dystrophy, type 2E. Last evaluated: 2015-02-20. Review status: no assertion criteria provided. Collection method: literature only. Allele origin: unknown. Inheritance: Autosomal recessive inheritance. Not counted in ClinVar's aggregate classification.

OMIM
Classification: Pathogenic for MUSCULAR DYSTROPHY, LIMB-GIRDLE, AUTOSOMAL RECESSIVE 4. Last evaluated: 1995-11-01. Review status: no assertion criteria provided. Collection method: literature only. Allele origin: germline. Not counted in ClinVar's aggregate classification.

Literature cited by the submitters: PubMed 37317968 (cited by ClinGen Limb Girdle Muscular Dystrophy Variant Curation Expert Panel, ClinGen); PubMed 7581448 (cited by 5 submitters); PubMed 9565988 (cited by 5 submitters); PubMed 21480868 (cited by 3 submitters); PubMed 22095924 (cited by 4 submitters); PubMed 38177855 (cited by Natera, Inc.).